The following is an entry in ClinVar:

ClinVar aggregate classification (germline): Uncertain significance (1 of 4 stars; one submission).

Submission:

Ambry Genetics
Classification: Uncertain significance. Last evaluated: 2024-04-18. Review status: criteria provided, single submitter. Criteria: Ambry Variant Classification Scheme 2023. Collection method: clinical testing. Allele origin: germline.
Comment: The p.A458S variant (also known as c.1372G>T), located in coding exon 10 of the RINT1 gene, results from a G to T substitution at nucleotide position 1372. The alanine at codon 458 is replaced by serine, an amino acid with similar properties. This amino acid position is conserved. In addition, this alteration is predicted to be tolerated by in silico analysis. Based on the available evidence, the clinical significance of this variant remains unclear.

NM_021930.6(RINT1):c.1372G>T (p.Ala458Ser)

Gene: RINT1 (RAD50 interactor 1; plus strand). Cytogenetic location: 7q22.3.
Variant type: single nucleotide variant.
Coding change: c.1372G>T on transcript NM_021930.6 (MANE Select); coding-DNA position 1372, G replaced by T.
Protein change: p.Ala458Ser; replaces alanine 458 with serine.
Molecular consequence: missense variant. On other transcripts: non-coding transcript variant (1).
Genome position (GRCh38, 1-based): chr7:105,551,608, G>T. VCF-style: chr7-105551608-G-T. GRCh37 (hg19) VCF-style: chr7-105192055-G-T.
Other names: c.1138G>T, p.Ala380Ser (NM_001346599.2); c.349G>T, p.Ala117Ser (NM_001346600.2, NM_001346603.2); c.448G>T, p.Ala150Ser (NM_001346601.2); short protein forms A458S, A117S, A150S, A380S.
Identifiers: ClinVar variation 3314454 (VCV003314454.1).